The following is an entry in ClinVar:

ClinVar aggregate classification (germline): Pathogenic (1 of 4 stars; one submission).

Conditions:
Emery-Dreifuss muscular dystrophy 4, autosomal dominant (EDMD4). Also called: EMERY-DREIFUSS MUSCULAR DYSTROPHY 4 WITH VARIABLE FEATURES. Identifiers: Orphanet 261, MedGen C2751807, MONDO:0013071, OMIM 612998.
Autosomal recessive ataxia, Beauce type. Also called: Spinocerebellar ataxia, autosomal recessive 8; ATAXIA, RECESSIVE, OF BEAUCE; SYNE1-Related Autosomal Recessive Cerebellar Ataxia; SYNE1 Deficiency. Identifiers: Orphanet 88644, MedGen C1853116, MONDO:0012549, OMIM 610743.

Allele frequency attached by ClinVar (database versions not stated): gnomAD 0.00011; TOPMed 0.00019.
gnomAD v4.1: 19 of 1,613,968 alleles (0.0012%); no homozygotes.

Submission:

Labcorp Genetics (formerly Invitae), Labcorp
Classification: Pathogenic for Emery-Dreifuss muscular dystrophy 4, autosomal dominant; Autosomal recessive ataxia, Beauce type. Last evaluated: 2021-08-08. Review status: criteria provided, single submitter. Criteria: Invitae Variant Classification Sherloc (09022015). Collection method: clinical testing. Allele origin: germline.
Comment: This variant is not present in population databases (ExAC no frequency). For these reasons, this variant has been classified as Pathogenic. ClinVar contains an entry for this variant (Variation ID: 943651). This variant has not been reported in the literature in individuals affected with SYNE1-related conditions. This sequence change creates a premature translational stop signal (p.Gln5898*) in the SYNE1 gene. It is expected to result in an absent or disrupted protein product. Loss-of-function variants in SYNE1 are known to be pathogenic (PMID: 19542096, 24319099, 27086870).

Literature cited by the submitters: PubMed 19542096; PubMed 24319099; PubMed 27086870.

NM_182961.4(SYNE1):c.17905C>T (p.Gln5969Ter)

Gene: SYNE1 (spectrin repeat containing nuclear envelope protein 1; minus strand). Cytogenetic location: 6q25.2.
Variant type: single nucleotide variant.
Coding change: c.17905C>T on transcript NM_182961.4 (MANE Select); coding-DNA position 17905, C replaced by T.
Protein change: p.Gln5969Ter; replaces glutamine 5969 with a stop codon.
Molecular consequence: nonsense.
Genome position (GRCh38, 1-based): chr6:152,293,695, G>A on the plus strand (C>T on the coding strand, the complement: SYNE1 is on the minus strand). VCF-style: chr6-152293695-G-A. GRCh37 (hg19) VCF-style: chr6-152614830-G-A.
Other names: c.17692C>T, p.Gln5898Ter (NM_033071.5); short protein forms Q5969*, Q5898*.
Identifiers: ClinVar variation 943651 (VCV000943651.7), dbSNP rs967105970, ClinGen allele CA150192923.
Genomic context (GRCh38, chr6:152,293,695, plus strand): 5'-TCTCACTGAGTTTCAGCTCAATGGCCTCCATCTTCGTAGAGATGGACTGGAGGGAGTCCT[G>A]GTACTTCTGCTGGCGTTCCAAAGCTTCATAGAGTGTGCGCTGCTTCTCACTGATCTACAC-3'